The following is an entry in ClinVar:

ClinVar aggregate classification (germline): Benign. Review status: criteria provided, multiple submitters, no conflicts (2 of 4 stars). 3 submissions from 2 submitters: Benign (3). Last evaluated 2018-01-12.

Conditions:
Alpha-N-acetylgalactosaminidase deficiency type 2. Also called: ALPHA-N-ACETYLGALACTOSAMINIDASE DEFICIENCY, TYPE II; NAGA DEFICIENCY, TYPE II; SCHINDLER DISEASE, TYPE II. Identifiers: Orphanet 3137, Orphanet 79280, MedGen C1836522, MONDO:0012222, OMIM 609242.
Alpha-N-acetylgalactosaminidase deficiency type 1. Also called: SCHINDLER DISEASE, TYPE I; ALPHA-N-ACETYLGALACTOSAMINIDASE DEFICIENCY, TYPE I; NAGA DEFICIENCY, TYPE I; NEUROAXONAL DYSTROPHY, SCHINDLER TYPE. Identifiers: Orphanet 3137, Orphanet 79279, Orphanet 79281, MedGen C1836544, MONDO:0012221, OMIM 609241.

Allele frequency attached by ClinVar (database versions not stated): gnomAD 0.38250 and 0.39421; TOPMed 0.38895; 1000 Genomes Project 30x 0.44863; 1000 Genomes Project 0.45946; gnomAD exomes 0.50000.
gnomAD v4.1: 60,188 of 152,178 alleles (40%); highest among the groups gnomAD compares: East Asian, 85%; 14,436 homozygotes.

Submissions (3):

Illumina Laboratory Services, Illumina
Classification: Benign for Alpha-N-acetylgalactosaminidase deficiency type 1. Last evaluated: 2018-01-12. Review status: criteria provided, single submitter. Criteria: ICSL Variant Classification Criteria 13 December 2019. Collection method: clinical testing. Allele origin: germline.
Comment: This variant was observed in the ICSL laboratory as part of a predisposition screen in an ostensibly healthy population. It had not been previously curated by ICSL or reported in the Human Gene Mutation Database (HGMD: prior to June 1st, 2018), and was therefore a candidate for classification through an automated scoring system. Utilizing variant allele frequency, disease prevalence and penetrance estimates, and inheritance mode, an automated score was calculated to assess if this variant is too frequent to cause the disease. Based on the score and internal cut-off values, a variant classified as benign is not then subjected to further curation. The score for this variant resulted in a classification of benign for this disease.

Illumina Laboratory Services, Illumina
Classification: Benign for Alpha-N-acetylgalactosaminidase deficiency type 2. Last evaluated: 2018-01-12. Review status: criteria provided, single submitter. Criteria: ICSL Variant Classification Criteria 13 December 2019. Collection method: clinical testing. Allele origin: germline.
Comment: the same text as in the submission from Illumina Laboratory Services, Illumina above.

Breakthrough Genomics
Classification: Benign. Review status: criteria provided, single submitter. Criteria: ACMG Guidelines, 2015. Collection method: not provided. Allele origin: germline. Inheritance: Autosomal recessive inheritance. Affected: yes.

NM_000262.3(NAGA):c.*1333T>C

Gene: NAGA (alpha-N-acetylgalactosaminidase; minus strand). Cytogenetic location: 22q13.2.
Variant type: single nucleotide variant.
Coding change: c.*1333T>C on transcript NM_000262.3 (MANE Select); 1333 bases downstream of the stop codon, T replaced by C.
Molecular consequence: 3 prime UTR variant.
Genome position (GRCh38, 1-based): chr22:42,058,946, A>G on the plus strand (T>C on the coding strand, the complement: NAGA is on the minus strand). VCF-style: chr22-42058946-A-G. GRCh37 (hg19) VCF-style: chr22-42454950-A-G.
Other names: c.*1333T>C (NM_001362848.1, NM_001362850.1).
Identifiers: ClinVar variation 341891 (VCV000341891.6), dbSNP rs1063392, ClinGen allele CA10653612.